The following is an entry in ClinVar:

NM_001270508.2(TNFAIP3):c.872T>A (p.Leu291Ter)

Gene: TNFAIP3 (TNF alpha induced protein 3; plus strand). Cytogenetic location: 6q23.3.
Variant type: single nucleotide variant.
Coding change: c.872T>A on transcript NM_001270508.2 (MANE Select); coding-DNA position 872, T replaced by A.
Protein change: p.Leu291Ter; replaces leucine 291 with a stop codon.
Molecular consequence: nonsense.
Genome position (GRCh38, 1-based): chr6:137,877,142, T>A. VCF-style: chr6-137877142-T-A. GRCh37 (hg19) VCF-style: chr6-138198279-T-A.
Other names: c.872T>A, p.Leu291Ter (NM_001270507.2, NM_006290.4); short protein forms L291*.
Identifiers: ClinVar variation 2824135 (VCV002824135.3), dbSNP rs1776275893, ClinGen allele CA365787191.

ClinVar aggregate classification (germline): Pathogenic (1 of 4 stars; one submission).

Submission:

Labcorp Genetics (formerly Invitae), Labcorp
Classification: Pathogenic. Last evaluated: 2024-06-05. Review status: criteria provided, single submitter. Criteria: Invitae Variant Classification Sherloc (09022015). Collection method: clinical testing. Allele origin: germline.
Comment: This sequence change creates a premature translational stop signal (p.Leu291*) in the TNFAIP3 gene. It is expected to result in an absent or disrupted protein product. Loss-of-function variants in TNFAIP3 are known to be pathogenic (PMID: 26642243). This variant is not present in population databases (gnomAD no frequency). This variant has not been reported in the literature in individuals affected with TNFAIP3-related conditions. For these reasons, this variant has been classified as Pathogenic.

Literature cited by the submitters: PubMed 26642243.